The following is an entry in ClinVar:

ClinVar aggregate classification (germline): Uncertain significance (1 of 4 stars; one submission).

Conditions:
Early-infantile DEE. Also called: Early infantile epileptic encephalopathy; Early infantile epileptic encephalopathy with suppression bursts; Ohtahara syndrome. Identifiers: Orphanet 1934, MedGen C0393706, MONDO:0800491.

Submission:

Labcorp Genetics (formerly Invitae), Labcorp
Classification: Uncertain significance for Early-infantile DEE. Last evaluated: 2023-06-25. Review status: criteria provided, single submitter. Criteria: Invitae Variant Classification Sherloc (09022015). Collection method: clinical testing. Allele origin: germline.
Comment: In summary, the available evidence is currently insufficient to determine the role of this variant in disease. Therefore, it has been classified as a Variant of Uncertain Significance. Advanced modeling of protein sequence and biophysical properties (such as structural, functional, and spatial information, amino acid conservation, physicochemical variation, residue mobility, and thermodynamic stability) performed at Invitae indicates that this missense variant is not expected to disrupt HCN1 protein function. This variant has not been reported in the literature in individuals affected with HCN1-related conditions. This variant is not present in population databases (gnomAD no frequency). This sequence change replaces leucine, which is neutral and non-polar, with valine, which is neutral and non-polar, at codon 349 of the HCN1 protein (p.Leu349Val).

NM_021072.4(HCN1):c.1045C>G (p.Leu349Val)

Gene: HCN1 (hyperpolarization activated cyclic nucleotide gated potassium channel 1; minus strand). Cytogenetic location: 5p12.
Variant type: single nucleotide variant.
Coding change: c.1045C>G on transcript NM_021072.4 (MANE Select); coding-DNA position 1045, C replaced by G.
Protein change: p.Leu349Val; replaces leucine 349 with valine.
Molecular consequence: missense variant.
Genome position (GRCh38, 1-based): chr5:45,396,677, G>C on the plus strand (C>G on the coding strand, the complement: HCN1 is on the minus strand). VCF-style: chr5-45396677-G-C. GRCh37 (hg19) VCF-style: chr5-45396779-G-C.
Other names: short protein forms L349V.
Identifiers: ClinVar variation 2728504 (VCV002728504.3), dbSNP rs2478007105, ClinGen allele CA359705562.